The following is an entry in ClinVar:

NM_001197104.2(KMT2A):c.2294C>T (p.Ser765Phe)

Gene: KMT2A (lysine methyltransferase 2A; plus strand). Cytogenetic location: 11q23.3.
Variant type: single nucleotide variant.
Coding change: c.2294C>T on transcript NM_001197104.2 (MANE Select); coding-DNA position 2294, C replaced by T.
Protein change: p.Ser765Phe; replaces serine 765 with phenylalanine.
Molecular consequence: missense variant.
Genome position (GRCh38, 1-based): chr11:118,473,453, C>T. VCF-style: chr11-118473453-C-T. GRCh37 (hg19) VCF-style: chr11-118344168-C-T.
Other names: c.2294C>T, p.Ser765Phe (NM_005933.4); short protein forms S765F.
Identifiers: ClinVar variation 1354057 (VCV001354057.8), dbSNP rs2134267252, ClinGen allele CA382814262.

ClinVar aggregate classification (germline): Uncertain significance (1 of 4 stars; one submission).

Submission:

Labcorp Genetics (formerly Invitae), Labcorp
Classification: Uncertain significance. Last evaluated: 2022-09-19. Review status: criteria provided, single submitter. Criteria: Invitae Variant Classification Sherloc (09022015). Collection method: clinical testing. Allele origin: germline.
Comment: ClinVar contains an entry for this variant (Variation ID: 1354057). Advanced modeling of protein sequence and biophysical properties (such as structural, functional, and spatial information, amino acid conservation, physicochemical variation, residue mobility, and thermodynamic stability) has been performed at Invitae for this missense variant, however the output from this modeling did not meet the statistical confidence thresholds required to predict the impact of this variant on KMT2A protein function. In summary, the available evidence is currently insufficient to determine the role of this variant in disease. Therefore, it has been classified as a Variant of Uncertain Significance. This sequence change replaces serine, which is neutral and polar, with phenylalanine, which is neutral and non-polar, at codon 765 of the KMT2A protein (p.Ser765Phe). This variant is not present in population databases (gnomAD no frequency). This variant has not been reported in the literature in individuals affected with KMT2A-related conditions.